The following is an entry in ClinVar:

NM_001297595.2(SIN3B):c.2592+12C>T

Gene: SIN3B (SIN3 transcription regulator family member B; plus strand). Cytogenetic location: 19p13.11.
Variant type: single nucleotide variant.
Coding change: c.2592+12C>T on transcript NM_001297595.2 (MANE Select); 12 bases into the intron after coding-DNA position 2592, C replaced by T.
Molecular consequence: intron variant.
Genome position (GRCh38, 1-based): chr19:16,871,410, C>T. VCF-style: chr19-16871410-C-T. GRCh37 (hg19) VCF-style: chr19-16982221-C-T.
Other names: c.2688+12C>T (NM_015260.4); c.1362+12C>T (NM_001297597.2).
Identifiers: ClinVar variation 5040952 (VCV005040952.1).

ClinVar aggregate classification (germline): Likely benign (1 of 4 stars; one submission).

gnomAD v4.1: 72 of 1,590,226 alleles (0.0045%); highest among the groups gnomAD compares: African/African-American, 0.038%; no homozygotes.

Submission:

CeGaT Center for Human Genetics Tuebingen
Classification: Likely benign. Last evaluated: 2026-09-01. Review status: criteria provided, single submitter. Criteria: CeGaT Center For Human Genetics Tuebingen Variant Classification Criteria Version 2. Collection method: clinical testing. Allele origin: germline. Affected: yes. Observed: 1 variant allele.
Comment: SIN3B: BP4, BP7